The following is an entry in ClinVar:

NM_000195.5(HPS1):c.852del (p.Ser285fs)

Gene: HPS1 (HPS1 biogenesis of lysosomal organelles complex 3 subunit 1; minus strand). Cytogenetic location: 10q24.2.
Variant type: Deletion.
Coding change: c.852del on transcript NM_000195.5 (MANE Select); coding-DNA position 852, one base deleted (G; older notation c.852delG).
Protein change: p.Ser285fs; shifts the reading frame from serine 285.
Molecular consequence: frameshift variant. On other transcripts: 5 prime UTR variant (1), intron variant (8).
Genome position (GRCh38, 1-based): chr10:98,429,806, C deleted on the plus strand (G on the coding strand, the reverse complement: HPS1 is on the minus strand); the first of 6 consecutive C bases (chr10:98,429,806-98,429,811); deleting any one gives the same sequence. VCF-style (leftmost placement, unchanged base first): chr10-98429805-TC-T. GRCh37 (hg19) VCF-style: chr10-100189562-TC-T.
Other names: NM_000195.5(HPS1):c.852del; p.Ser285fs; c.852del, p.Ser285fs (NM_001322476.2, NM_001322477.2, NM_182639.4); c.591del, p.Ser198fs (NM_001322480.2, NM_001322481.2); c.483del, p.Ser162fs (NM_001322483.2, NM_001322484.2); c.-121del (NM_001322487.2); c.734del, p.Gly245fs (NM_001322490.2); c.769-164del (NM_001322478.2, NM_001322479.2, NM_001322491.2); and 5 more; short protein forms G245fs, S198fs, S162fs, S285fs.
Identifiers: ClinVar variation 944005 (VCV000944005.10), dbSNP rs757883936, ClinGen allele CA5639257.

ClinVar aggregate classification (germline): Pathogenic/Likely pathogenic. Review status: criteria provided, multiple submitters, no conflicts (2 of 4 stars). 4 submissions from 4 submitters: Pathogenic (1); Likely pathogenic (3). Last evaluated 2025-01-25.

Conditions:
Hermansky-Pudlak syndrome (HPS). Also called: ALBINISM WITH HEMORRHAGIC DIATHESIS AND PIGMENTED RETICULOENDOTHELIAL CELLS. Identifiers: Orphanet 79430, MedGen C0079504, MONDO:0019312.
Hermansky-Pudlak syndrome 1 (HPS1). Also called: DELTA STORAGE POOL DISEASE. Identifiers: Orphanet 231500, Orphanet 79430, MedGen C2931875, MONDO:0008748, OMIM 203300.

Submissions (4):

Natera, Inc.
Classification: Likely pathogenic for Hermansky-Pudlak syndrome. Last evaluated: 2025-01-25. Review status: criteria provided, single submitter. Criteria: Natera Variant Classification Schema (03/2026). Collection method: clinical testing. Allele origin: germline.
Comment: The c.852delG variant in HPS1 is a frameshift variant predicted to shift the reading frame beginning at codon 285 and leads to a stop codon 46 codons downstream. This variant is expected to result in nonsense mediated decay, truncation, or a dysfunctional protein product. This variant is rare in the general population with a frequency below the threshold expected for the associated phenotype(s). Given the available evidence, this variant is classified as Likely Pathogenic.

Labcorp Genetics (formerly Invitae), Labcorp
Classification: Pathogenic. Last evaluated: 2025-01-23. Review status: criteria provided, single submitter. Criteria: Invitae Variant Classification Sherloc (09022015). Collection method: clinical testing. Allele origin: germline.
Comment: This sequence change creates a premature translational stop signal (p.Ser285Alafs*46) in the HPS1 gene. It is expected to result in an absent or disrupted protein product. Loss-of-function variants in HPS1 are known to be pathogenic (PMID: 12442288, 16185271). This variant is present in population databases (rs757883936, gnomAD 0.006%). This variant has not been reported in the literature in individuals affected with HPS1-related conditions. ClinVar contains an entry for this variant (Variation ID: 944005). For these reasons, this variant has been classified as Pathogenic.

Baylor Genetics
Classification: Likely pathogenic for Hermansky-Pudlak syndrome 1. Last evaluated: 2023-10-07. Review status: criteria provided, single submitter. Criteria: ACMG Guidelines, 2015. Collection method: clinical testing. Allele origin: unknown.

Broad Center for Mendelian Genomics, Broad Institute of MIT and Harvard
Classification: Likely pathogenic for Hermansky-Pudlak syndrome. Last evaluated: 2021-12-10. Review status: criteria provided, single submitter. Criteria: ACMG Guidelines, 2015. Collection method: curation. Allele origin: germline. Inheritance: Autosomal recessive inheritance.
Comment: The p.Ser285fs variant in HPS1 has not been previously reported in individuals with Hermansky-Pudlak syndrome but has been identified in 0.007% (2/30614) of South Asian chromosomes by the Genome Aggregation Database (gnomAD; dbSNP ID: rs757883936). Although this variant has been seen in the general population in a heterozygous state, its frequency is low enough to be consistent with a recessive carrier frequency. It is of note that this variant occurs in a homopolymer repeat, which could indicate that it exists as an artifact from sequencing. However, disease-causing variants have been reported in homopolymer regions, so this is not enough to rule out a pathogenic role. This variant has also been reported in ClinVar (Variation ID#: 944005) and has been interpreted as pathogenic by Invitae. This variant is predicted to cause a frameshift, which alters the protein’s amino acid sequence beginning at position 285 and leads to a premature termination codon 46 amino acids downstream. This alteration is then predicted to lead to a truncated or absent protein. Loss of function of the HPS1 gene is an established disease mechanism in autosomal recessive Hermansky-Pudlak syndrome. In summary, although additional studies are required to fully establish its clinical significance, this variant is likely pathogenic for autosomal recessive Hermansky-Pudlak syndrome. ACMG/AMP Criteria applied: PVS1, PM2 (Richards 2015).

Literature cited by the submitters: PubMed 12442288 (cited by Labcorp Genetics (formerly Invitae), Labcorp); PubMed 16185271 (cited by Labcorp Genetics (formerly Invitae), Labcorp).